The following is an entry in ClinVar:

ClinVar aggregate classification (germline): Uncertain significance. Review status: criteria provided, multiple submitters, no conflicts (2 of 4 stars). 2 submissions from 2 submitters: Uncertain significance (2). Last evaluated 2022-01-14.

Conditions:
Cryopyrin associated periodic syndrome (CAPS). Identifiers: Orphanet 208650, MedGen C2316212, MONDO:0016168.

Allele frequency attached by ClinVar (database versions not stated): TOPMed below 0.00001; gnomAD 0.00001.
gnomAD v4.1: 1 of 1,614,056 alleles (0.000062%); highest among the groups gnomAD compares: Non-Finnish European, 0.000085%; no homozygotes.

Submissions (2):

Illumina Laboratory Services, Illumina
Classification: Uncertain significance for Cryopyrin associated periodic syndrome. Last evaluated: 2022-01-14. Review status: criteria provided, single submitter. Criteria: ICSLVariantClassificationCriteria RUGD 01 April 2020. Collection method: clinical testing. Allele origin: unknown.
Comment: The NLRP3 c.2926A>C (p.Asn976His) missense variant results in the substitution of asparagine at amino acid 976 with histidine. This variant is also referred to as c.2932A>C (p.Asn978His). To our knowledge, this variant has not been reported in the peer-reviewed literature. The c.2926A>C variant is reported in the Genome Aggregation Database in one allele at a frequency of 0.000065 in the European (non-Finnish) population (version 2.1.1). Multiple lines of computational evidence suggest the variant may not have a deleterious effect on the gene or gene product. Based on the available evidence, the c.2926A>C (p.Asn976His) variant is classified as a variant of uncertain significance for cryopyrin-associated periodic syndrome.

Revvity Omics, Revvity
Classification: Uncertain significance. Last evaluated: 2021-04-29. Review status: criteria provided, single submitter. Criteria: ACMG Guidelines, 2015. Collection method: clinical testing. Allele origin: germline.

NM_001243133.2(NLRP3):c.2926A>C (p.Asn976His)

Gene: NLRP3 (NLR family pyrin domain containing 3; plus strand). Cytogenetic location: 1q44.
Variant type: single nucleotide variant.
Coding change: c.2926A>C on transcript NM_001243133.2 (MANE Select); coding-DNA position 2926, A replaced by C.
Protein change: p.Asn976His; replaces asparagine 976 with histidine.
Molecular consequence: missense variant.
Genome position (GRCh38, 1-based): chr1:247,444,742, A>C. VCF-style: chr1-247444742-A-C. GRCh37 (hg19) VCF-style: chr1-247608044-A-C.
Other names: c.2932A>C (NM_004895.4); c.2926A>C, p.Asn976His (NM_001079821.3); c.2755A>C, p.Asn919His (NM_001127461.3, NM_001127462.3); c.2932A>C, p.Asn978His (NM_004895.5); c.2584A>C, p.Asn862His (NM_183395.3); short protein forms N862H, N919H, N976H, N978H.
Identifiers: ClinVar variation 1693286 (VCV001693286.5), dbSNP rs1278737134, ClinGen allele CA345565671.